The following is an entry in ClinVar:

ClinVar aggregate classification (germline): not provided (0 of 4 stars; one submission).

Conditions:
Endometrial carcinoma. Also called: Endometrial carcinoma, somatic. Identifiers: MedGen C0476089, MONDO:0002447, OMIM 608089, HP:0012114.

Allele frequency attached by ClinVar (database versions not stated): gnomAD exomes below 0.00001.
gnomAD v4.1: 1 of 1,614,134 alleles (0.000062%); highest among the groups gnomAD compares: Non-Finnish European, 0.000085%; no homozygotes.

Submission:

Laboratory of Translational Genomics,  National Cancer Institute
No classification provided. Condition: Endometrial carcinoma. Review status: no classification provided. Collection method: not provided. Allele origin: somatic.
Comment: Endometrial Cancer specimen

NM_004448.4(ERBB2):c.2506C>T (p.Leu836=)

Gene: ERBB2 (erb-b2 receptor tyrosine kinase 2; plus strand). Cytogenetic location: 17q12.
Variant type: single nucleotide variant.
Coding change: c.2506C>T on transcript NM_004448.4 (MANE Select); coding-DNA position 2506, C replaced by T.
Protein change: p.Leu836=; no amino-acid change (leucine 836 retained).
Molecular consequence: synonymous variant. On other transcripts: non-coding transcript variant (1), intron variant (3).
Genome position (GRCh38, 1-based): chr17:39,725,061, C>T. VCF-style: chr17-39725061-C-T. GRCh37 (hg19) VCF-style: chr17-37881314-C-T.
Other names: c.2416C>T, p.Leu806= (NM_001005862.3, NM_001382782.1, NM_001382783.1); c.2461C>T, p.Leu821= (NM_001289936.2); c.2506C>T, p.Leu836= (NM_001289937.2, NM_001382796.1); c.2623C>T, p.Leu875= (NM_001382784.1); c.2608C>T, p.Leu870= (NM_001382785.1); c.2587C>T, p.Leu863= (NM_001382786.1); c.2581C>T, p.Leu861= (NM_001382787.1); c.2536C>T, p.Leu846= (NM_001382788.1); and 15 more.
Identifiers: ClinVar variation 132945 (VCV000132945.1), dbSNP rs104886008, ClinGen allele CA156262.